The following is an entry in ClinVar:

NM_000969.5(RPL5):c.604C>T (p.Gln202Ter)

Genes: DIPK1A (divergent protein kinase domain 1A; minus strand), RPL5 (ribosomal protein L5; plus strand). Cytogenetic location: 1p22.1.
Variant type: single nucleotide variant.
Coding change: c.604C>T on transcript NM_000969.5 (MANE Select); coding-DNA position 604, C replaced by T.
Protein change: p.Gln202Ter; replaces glutamine 202 with a stop codon.
Molecular consequence: nonsense. On other transcripts: non-coding transcript variant (1), intron variant (1).
Genome position (GRCh38, 1-based): chr1:92,837,532, C>T. VCF-style: chr1-92837532-C-T. GRCh37 (hg19) VCF-style: chr1-93303089-C-T.
Other names: c.475-4498G>A (NM_001252273.2); short protein forms Q202*.
Identifiers: ClinVar variation 4076388 (VCV004076388.1).

ClinVar aggregate classification (germline): Likely pathogenic (1 of 4 stars; one submission).

Conditions:
Diamond-Blackfan anemia 6 (DBA6). Also called: RPL5-Related Diamond-Blackfan Anemia. Identifiers: Orphanet 124, MedGen C2931850, MONDO:0012937, OMIM 612561.

Submission:

Laboratorio de Genetica e Diagnostico Molecular, Hospital Israelita Albert Einstein
Classification: Likely pathogenic for Diamond-Blackfan anemia 6. Last evaluated: 2024-07-02. Review status: criteria provided, single submitter. Criteria: ACMG Guidelines, 2015. Collection method: clinical testing. Allele origin: germline. Affected: yes.
Comment: ACMG classification criteria: PVS1 very strong, PM2 supporting